The following is an entry in ClinVar:

NM_001042492.3(NF1):c.1845+5G>A

Gene: NF1 (neurofibromin 1; plus strand). Cytogenetic location: 17q11.2.
Variant type: single nucleotide variant.
Coding change: c.1845+5G>A on transcript NM_001042492.3 (MANE Select); 5 bases into the intron after coding-DNA position 1845, G replaced by A.
Molecular consequence: intron variant.
Genome position (GRCh38, 1-based): chr17:31,223,572, G>A. VCF-style: chr17-31223572-G-A. GRCh37 (hg19) VCF-style: chr17-29550590-G-A.
Other names: c.1845+5G>A (NM_000267.4).
Identifiers: ClinVar variation 1781220 (VCV001781220.2), dbSNP rs2066964463, ClinGen allele CA915940667.

ClinVar aggregate classification (germline): Uncertain significance (1 of 4 stars; one submission).

Conditions:
Hereditary cancer-predisposing syndrome. Also called: Neoplastic Syndromes, Hereditary; Tumor predisposition; Hereditary Cancer Syndrome; Hereditary neoplastic syndrome. Identifiers: Orphanet 140162, MedGen C0027672, MeSH D009386, MONDO:0015356.
Cardiovascular phenotype. Identifiers: MedGen CN230736.

Submission:

Ambry Genetics
Classification: Uncertain significance for Cardiovascular phenotype; Hereditary cancer-predisposing syndrome. Last evaluated: 2020-01-28. Review status: criteria provided, single submitter. Criteria: Ambry Variant Classification Scheme 2023. Collection method: clinical testing. Allele origin: germline.
Comment: The c.1845+5G>A intronic variant results from a G to A substitution 5 nucleotides after coding exon 16 in the NF1 gene. This nucleotide position is highly conserved in available vertebrate species. Since supporting evidence is limited at this time, the clinical significance of this alteration remains unclear.